The following is an entry in ClinVar:

ClinVar aggregate classification (germline): Benign/Likely benign. Review status: criteria provided, multiple submitters, no conflicts (2 of 4 stars). 3 submissions from 3 submitters: Benign (1); Likely benign (2). Last evaluated 2026-01-22.

Conditions:
Long QT syndrome (LQTS). Identifiers: MedGen C0023976, MeSH D008133, MONDO:0002442. Disease mechanism: loss of function. Inheritance: Various modes of inheritance.

Allele frequency attached by ClinVar (database versions not stated): gnomAD 0.00003; TOPMed 0.00003; ExAC 0.00004; gnomAD exomes 0.00005; ESP Exome Variant Server 0.00008.
gnomAD v4.1: 58 of 1,609,982 alleles (0.0036%); highest among the groups gnomAD compares: Non-Finnish European, 0.0047%; no homozygotes.

Submissions (3):

Labcorp Genetics (formerly Invitae), Labcorp
Classification: Likely benign for Long QT syndrome. Last evaluated: 2026-01-22. Review status: criteria provided, single submitter. Criteria: Invitae Variant Classification Sherloc (09022015). Collection method: clinical testing. Allele origin: germline.

Blueprint Genetics
Classification: Likely benign. Last evaluated: 2024-08-16. Review status: criteria provided, single submitter. Criteria: ACMG Guidelines, 2015. Collection method: clinical testing. Allele origin: germline.

GeneDx
Classification: Benign. Last evaluated: 2017-04-26. Review status: criteria provided, single submitter. Criteria: GeneDx Variant Classification (06012015). Collection method: clinical testing. Allele origin: germline. Affected: yes.
Comment: This variant is considered likely benign or benign based on one or more of the following criteria: it is a conservative change, it occurs at a poorly conserved position in the protein, it is predicted to be benign by multiple in silico algorithms, and/or has population frequency not consistent with disease.

NM_000238.4(KCNH2):c.2146-16C>T

Gene: KCNH2 (potassium voltage-gated channel subfamily H member 2; minus strand). Cytogenetic location: 7q36.1.
Variant type: single nucleotide variant.
Coding change: c.2146-16C>T on transcript NM_000238.4 (MANE Select); 16 bases into the intron before coding-DNA position 2146, C replaced by T.
Molecular consequence: intron variant.
Genome position (GRCh38, 1-based): chr7:150,950,436, G>A on the plus strand (C>T on the coding strand, the complement: KCNH2 is on the minus strand). VCF-style: chr7-150950436-G-A. GRCh37 (hg19) VCF-style: chr7-150647524-G-A.
Other names: c.1858-16C>T (NM_001406753.1, NM_001406756.1); c.1126-16C>T (NM_172057.3, NM_001204798.2); c.2146-16C>T (NM_172056.3); c.1969-16C>T (NM_001406755.1); c.1846-16C>T (NM_001406757.1).
Identifiers: ClinVar variation 516111 (VCV000516111.11), dbSNP rs375568514, ClinGen allele CA031026.